The following is an entry in ClinVar:

NM_001098.3(ACO2):c.330C>G (p.Phe110Leu)

Gene: ACO2 (aconitase 2; plus strand). Cytogenetic location: 22q13.2.
Variant type: single nucleotide variant.
Coding change: c.330C>G on transcript NM_001098.3 (MANE Select); coding-DNA position 330, C replaced by G.
Protein change: p.Phe110Leu; replaces phenylalanine 110 with leucine.
Molecular consequence: missense variant.
Genome position (GRCh38, 1-based): chr22:41,507,947, C>G. VCF-style: chr22-41507947-C-G. GRCh37 (hg19) VCF-style: chr22-41903951-C-G.
Other names: short protein forms F110L.
Identifiers: ClinVar variation 2751430 (VCV002751430.3), dbSNP rs2066406417, ClinGen allele CA411713636.

ClinVar aggregate classification (germline): Uncertain significance (1 of 4 stars; one submission).

Allele frequency attached by ClinVar (database versions not stated): gnomAD exomes below 0.00001; TOPMed below 0.00001.

Submission:

Labcorp Genetics (formerly Invitae), Labcorp
Classification: Uncertain significance. Last evaluated: 2025-06-09. Review status: criteria provided, single submitter. Criteria: Invitae Variant Classification Sherloc (09022015). Collection method: clinical testing. Allele origin: germline.
Comment: This sequence change replaces phenylalanine, which is neutral and non-polar, with leucine, which is neutral and non-polar, at codon 110 of the ACO2 protein (p.Phe110Leu). This variant is not present in population databases (gnomAD no frequency). This variant has not been reported in the literature in individuals affected with ACO2-related conditions. ClinVar contains an entry for this variant (Variation ID: 2751430). Invitae Evidence Modeling of protein sequence and biophysical properties (such as structural, functional, and spatial information, amino acid conservation, physicochemical variation, residue mobility, and thermodynamic stability) indicates that this missense variant is not expected to disrupt ACO2 protein function with a negative predictive value of 80%. In summary, the available evidence is currently insufficient to determine the role of this variant in disease. Therefore, it has been classified as a Variant of Uncertain Significance.